The following is an entry in ClinVar:

ClinVar aggregate classification (germline): Likely pathogenic (1 of 4 stars; one submission).

Submission:

CeGaT Center for Human Genetics Tuebingen
Classification: Likely pathogenic. Last evaluated: 2025-10-01. Review status: criteria provided, single submitter. Criteria: CeGaT Center For Human Genetics Tuebingen Variant Classification Criteria Version 2. Collection method: clinical testing. Allele origin: germline. Affected: yes. Observed: 1 variant allele.
Comment: VPS50: PVS1:Strong, PM2

NM_017667.4(VPS50):c.1739del (p.Pro580fs)

Gene: VPS50 (VPS50 subunit of EARP/GARPII complex; plus strand). Cytogenetic location: 7q21.3.
Variant type: Deletion.
Coding change: c.1739del on transcript NM_017667.4 (MANE Select); coding-DNA position 1739, one base deleted (C; older notation c.1739delC).
Protein change: p.Pro580fs; shifts the reading frame from proline 580.
Molecular consequence: frameshift variant.
Genome position (GRCh38, 1-based): chr7:93,308,933, C deleted; the last of 2 consecutive C bases (chr7:93,308,932-93,308,933); deleting either gives the same sequence. VCF-style (leftmost placement, unchanged base first): chr7-93308931-TC-T. GRCh37 (hg19) VCF-style: chr7-92938243-TC-T.
Other names: c.1649del, p.Pro550fs (NM_001257998.2); short protein forms P550fs, P580fs.
Identifiers: ClinVar variation 4535162 (VCV004535162.6).